The following is an entry in ClinVar:

NM_004655.4(AXIN2):c.1755C>T (p.Gly585=)

Gene: AXIN2 (axin 2; minus strand). Cytogenetic location: 17q24.1.
Variant type: single nucleotide variant.
Coding change: c.1755C>T on transcript NM_004655.4 (MANE Select); coding-DNA position 1755, C replaced by T.
Protein change: p.Gly585=; no amino-acid change (glycine 585 retained).
Molecular consequence: synonymous variant. On other transcripts: intron variant (1).
Genome position (GRCh38, 1-based): chr17:65,537,021, G>A on the plus strand (C>T on the coding strand, the complement: AXIN2 is on the minus strand). VCF-style: chr17-65537021-G-A. GRCh37 (hg19) VCF-style: chr17-63533139-G-A.
Other names: c.1712+303C>T (NM_001363813.1).
Identifiers: ClinVar variation 864451 (VCV000864451.12), dbSNP rs2043936431, ClinGen allele CA501691155.

ClinVar aggregate classification (germline): Conflicting classifications of pathogenicity. Review status: criteria provided, conflicting classifications (1 of 4 stars). 3 submissions from 3 submitters: Uncertain significance (2); Likely benign (1). Last evaluated 2026-04-20.

Conditions:
Hereditary cancer-predisposing syndrome. Also called: Tumor predisposition; Neoplastic Syndromes, Hereditary; Hereditary neoplastic syndrome; Hereditary Cancer Syndrome. Identifiers: Orphanet 140162, MedGen C0027672, MeSH D009386, MONDO:0015356.
Oligodontia-cancer predisposition syndrome. Also called: TOOTH AGENESIS-COLORECTAL CANCER SYNDROME. Identifiers: Orphanet 300576, MedGen C1837750, MONDO:0012075, OMIM 608615. Disease mechanism: loss of function.

Allele frequency attached by ClinVar (database versions not stated): TOPMed below 0.00001; gnomAD exomes below 0.00001.
gnomAD v4.1: 1 of 1,610,422 alleles (0.000062%); highest among the groups gnomAD compares: Non-Finnish European, 0.000085%; no homozygotes.

Submissions (3):

Ambry Genetics
Classification: Likely benign for Hereditary cancer-predisposing syndrome. Last evaluated: 2026-04-20. Review status: criteria provided, single submitter. Criteria: Ambry Variant Classification Scheme 2023. Collection method: clinical testing. Allele origin: germline.

Labcorp Genetics (formerly Invitae), Labcorp
Classification: Uncertain significance for Oligodontia-cancer predisposition syndrome. Last evaluated: 2025-01-08. Review status: criteria provided, single submitter. Criteria: Invitae Variant Classification Sherloc (09022015). Collection method: clinical testing. Allele origin: germline.
Comment: This sequence change affects codon 585 of the AXIN2 mRNA. It is a 'silent' change, meaning that it does not change the encoded amino acid sequence of the AXIN2 protein. This variant is not present in population databases (gnomAD no frequency). This variant has not been reported in the literature in individuals affected with AXIN2-related conditions. ClinVar contains an entry for this variant (Variation ID: 864451). Algorithms developed to predict the effect of sequence changes on RNA splicing suggest that this variant may disrupt the consensus splice site. In summary, the available evidence is currently insufficient to determine the role of this variant in disease. Therefore, it has been classified as a Variant of Uncertain Significance.

Quest Diagnostics Nichols Institute San Juan Capistrano
Classification: Uncertain significance. Last evaluated: 2024-10-25. Review status: criteria provided, single submitter. Criteria: Quest Diagnostics criteria. Collection method: clinical testing. Allele origin: unknown.
Comment: The AXIN2 c.1755C>T (p.Gly585=) synonymous variant has not been reported in individuals with AXIN2-related conditions in the published literature. It also has not been reported in large, multi-ethnic general populations (Genome Aggregation Database). Analysis of this variant using software algorithms for the prediction of the effect of nucleotide changes on AXIN2 mRNA splicing yielded predictions that this variant may result in the gain of a cryptic splice site without affecting the natural splice sites. Based on the available information, we are unable to determine the clinical significance of this variant.